The following is an entry in ClinVar:

ClinVar aggregate classification (germline): Conflicting classifications of pathogenicity. Review status: criteria provided, conflicting classifications (1 of 4 stars). 9 submissions from 9 submitters: Uncertain significance (8); Likely benign (1). Last evaluated 2025-11-25.

Conditions:
TSC1-related disorder. Also called: TSC1-related condition.
Isolated focal cortical dysplasia type II (FCORD2). Also called: Focal cortical dysplasia type II; CORTICAL DYSPLASIA OF TAYLOR. Identifiers: Orphanet 268994, MedGen C1846385, MONDO:0011818, OMIM 607341, HP:0032051.
Tuberous sclerosis 1 (TSC1). Identifiers: Orphanet 805, MedGen C1854465, MONDO:0008612, OMIM 191100.
Hereditary cancer-predisposing syndrome. Also called: Hereditary neoplastic syndrome; Neoplastic Syndromes, Hereditary; Hereditary Cancer Syndrome; Tumor predisposition. Identifiers: Orphanet 140162, MedGen C0027672, MeSH D009386, MONDO:0015356.

Allele frequency attached by ClinVar (database versions not stated): gnomAD exomes below 0.00001 and 0.00001.
gnomAD v4.1: 7 of 1,614,138 alleles (0.00043%); highest among the groups gnomAD compares: Admixed American, 0.0033%; no homozygotes.

Submissions (9):

Labcorp Genetics (formerly Invitae), Labcorp
Classification: Likely benign for Tuberous sclerosis 1. Last evaluated: 2025-11-25. Review status: criteria provided, single submitter. Criteria: Invitae Variant Classification Sherloc (09022015). Collection method: clinical testing. Allele origin: germline.

PreventionGenetics, part of Exact Sciences
Classification: Uncertain significance for TSC1-related condition. Last evaluated: 2025-04-11. Review status: criteria provided, single submitter. Criteria: ACMG Guidelines, 2015. Collection method: clinical testing. Allele origin: germline.
Comment: The TSC1 c.1745C>T variant is predicted to result in the amino acid substitution p.Thr582Ile. To our knowledge, this variant has not been reported in the literature. This variant is reported in 0.0029% of alleles in individuals of Latino descent in gnomAD. At this time, the clinical significance of this variant is uncertain due to the absence of conclusive functional and genetic evidence.

Ambry Genetics
Classification: Uncertain significance for Hereditary cancer-predisposing syndrome. Last evaluated: 2025-01-19. Review status: criteria provided, single submitter. Criteria: Ambry Variant Classification Scheme 2023. Collection method: clinical testing. Allele origin: germline.
Comment: The p.T582I variant (also known as c.1745C>T), located in coding exon 13 of the TSC1 gene, results from a C to T substitution at nucleotide position 1745. The threonine at codon 582 is replaced by isoleucine, an amino acid with similar properties. This amino acid position is well conserved in available vertebrate species. In addition, the in silico prediction for this alteration is inconclusive. Based on the available evidence, the clinical significance of this variant remains unclear.

Baylor Genetics
Classification: Uncertain significance for Isolated focal cortical dysplasia type II. Last evaluated: 2023-11-10. Review status: criteria provided, single submitter. Criteria: ACMG Guidelines, 2015. Collection method: clinical testing. Allele origin: unknown.

ARUP Laboratories, Molecular Genetics and Genomics, ARUP Laboratories
Classification: Uncertain significance. Last evaluated: 2023-09-06. Review status: criteria provided, single submitter. Criteria: ARUP Molecular Germline Variant Investigation Process 2024. Collection method: clinical testing. Allele origin: germline.
Comment: The TSC1 c.1745C>T; p.Thr582Ile variant (rs886063623), to our knowledge, is not reported in the medical literature but is reported in ClinVar (Variation ID: 365517). This variant is found on only two chromosomes (2/251118 alleles) in the Genome Aggregation Database. The threonine at codon 582 is highly conserved and computational analyses (SIFT, PolyPhen-2) predict that this variant is deleterious. However, given the lack of clinical and functional data, the significance of the p.Thr582Ile variant is uncertain at this time.

GeneDx
Classification: Uncertain significance. Last evaluated: 2022-11-01. Review status: criteria provided, single submitter. Criteria: GeneDx Variant Classification Process June 2021. Collection method: clinical testing. Allele origin: germline. Affected: yes.
Comment: In silico analysis supports that this missense variant does not alter protein structure/function; Has not been previously published as pathogenic or benign to our knowledge

Genome-Nilou Lab
Classification: Uncertain significance for Tuberous sclerosis 1. Last evaluated: 2021-11-07. Review status: criteria provided, single submitter. Criteria: ACMG Guidelines, 2015. Collection method: clinical testing. Allele origin: germline. Affected: no.

Quest Diagnostics Nichols Institute San Juan Capistrano
Classification: Uncertain significance. Last evaluated: 2021-07-16. Review status: criteria provided, single submitter. Criteria: Quest Diagnostics criteria. Collection method: clinical testing. Allele origin: unknown.

Blueprint Genetics
Classification: Uncertain significance. Last evaluated: 2020-10-27. Review status: criteria provided, single submitter. Criteria: ACMG Guidelines, 2015. Collection method: clinical testing. Allele origin: germline.

NM_000368.5(TSC1):c.1745C>T (p.Thr582Ile)

Gene: TSC1 (TSC complex subunit 1; minus strand). Cytogenetic location: 9q34.13.
Variant type: single nucleotide variant.
Coding change: c.1745C>T on transcript NM_000368.5 (MANE Select); coding-DNA position 1745, C replaced by T.
Protein change: p.Thr582Ile; replaces threonine 582 with isoleucine.
Molecular consequence: missense variant.
Genome position (GRCh38, 1-based): chr9:132,905,833, G>A on the plus strand (C>T on the coding strand, the complement: TSC1 is on the minus strand). VCF-style: chr9-132905833-G-A. GRCh37 (hg19) VCF-style: chr9-135781220-G-A.
Other names: c.1742C>T, p.Thr581Ile (NM_001162426.2); c.1592C>T, p.Thr531Ile (NM_001162427.2); c.1382C>T, p.Thr461Ile (NM_001362177.2); short protein forms T582I, T531I, T461I, T581I.
Identifiers: ClinVar variation 365517 (VCV000365517.29), dbSNP rs886063623, ClinGen allele CA10629362.